The following is an entry in ClinVar:

ClinVar aggregate classification (germline): Uncertain significance. Review status: criteria provided, multiple submitters, no conflicts (2 of 4 stars). 5 submissions from 5 submitters: Uncertain significance (5). Last evaluated 2026-08-06.

Conditions:
Hereditary cancer-predisposing syndrome. Also called: Tumor predisposition; Neoplastic Syndromes, Hereditary; Hereditary Cancer Syndrome; Hereditary neoplastic syndrome. Identifiers: Orphanet 140162, MedGen C0027672, MeSH D009386, MONDO:0015356.
Colorectal cancer, susceptibility to, 12 (CRCS12). Also called: COLORECTAL CANCER, SUSCEPTIBILITY TO, ON CHROMOSOME 12q24. Identifiers: Orphanet 220460, MedGen C3554460, MONDO:0014038, OMIM 615083.
Familial colorectal cancer. Identifiers: MedGen CN280943, MONDO:0023113. Disease mechanism: loss of function.

Submissions (5):

OLLIN Analises Genomicas, OLLIN
Classification: Uncertain significance for Colorectal cancer, susceptibility to, 12. Last evaluated: 2026-08-06. Review status: criteria provided, single submitter. Criteria: ACMG Guidelines 2015 PMID 25741868. Collection method: clinical testing. Allele origin: germline. Inheritance: Autosomal recessive inheritance.
Comment: This in-frame deletion, located in exon 29 (of 49), has been reported in ClinVar (accession VCV000473601.18) and in gnomAD with an allele frequency of 0.0005%. However, to our knowledge, it has not been reported in the scientific literature. This variant removes 1 amino acid, preserving the reading frame and leading to a reduced protein length. According to the currently available evidence, this variant has been classified as uncertain significance (PM2_P, PM4).

Dasa
Classification: Uncertain significance. Last evaluated: 2026-03-29. Review status: criteria provided, single submitter. Criteria: DASA Assertion Criteria. Collection method: clinical testing. Allele origin: germline.
Comment: NM_006231.4(POLE):c.3545_3547del (p.Lys1182del) is an in-frame deletion predicted to remove lysine at protein position 1182 without shifting the reading frame. This variant is rare in population databases. The currently available literature and clinical evidence are not sufficient to establish a definitive association between this variant and the reported condition. Therefore, this variant is classified as a variant of uncertain significance.

Labcorp Genetics (formerly Invitae), Labcorp
Classification: Uncertain significance. Last evaluated: 2025-12-10. Review status: criteria provided, single submitter. Criteria: Invitae Variant Classification Sherloc (09022015). Collection method: clinical testing. Allele origin: germline.
Comment: This variant, c.3545_3547del, results in the deletion of 1 amino acid(s) of the POLE protein (p.Lys1182del), but otherwise preserves the integrity of the reading frame. This variant is present in population databases (no rsID available, gnomAD 0.01%). This variant has not been reported in the literature in individuals affected with POLE-related conditions. ClinVar contains an entry for this variant (Variation ID: 473601). Experimental studies and prediction algorithms are not available or were not evaluated, and the functional significance of this variant is currently unknown. In summary, the available evidence is currently insufficient to determine the role of this variant in disease. Therefore, it has been classified as a Variant of Uncertain Significance.

Ambry Genetics
Classification: Uncertain significance for Hereditary cancer-predisposing syndrome. Last evaluated: 2025-02-05. Review status: criteria provided, single submitter. Criteria: Ambry Variant Classification Scheme 2023. Collection method: clinical testing. Allele origin: germline.
Comment: The c.3545_3547delAGA variant (also known as p.K1182del) is located in coding exon 29 of the POLE gene. This variant results from an in-frame AGA deletion at nucleotide positions 3545 to 3547. This results in the in-frame deletion of a lysine at codon 1182. This amino acid position is highly conserved in available vertebrate species. Based on the available evidence, the clinical significance of this variant remains unclear.

Mendelics
Classification: Uncertain significance for Familial colorectal cancer. Last evaluated: 2018-07-02. Review status: criteria provided, single submitter. Criteria: Mendelics Assertion Criteria 2017. Collection method: clinical testing. Allele origin: unknown.

NM_006231.4(POLE):c.3539AGA[2] (p.Lys1182del)

Gene: POLE (DNA polymerase epsilon, catalytic subunit; minus strand). Cytogenetic location: 12q24.33.
Variant type: Microsatellite.
Coding change: c.3539AGA[2] on transcript NM_006231.4 (MANE Select); two copies in a row of the 3-base unit AGA starting at c.3539; the reference has three copies in a row; one copy, 3 bases deleted; also written c.3545_3547del.
Protein change: p.Lys1182del; deletes lysine 1182.
Molecular consequence: inframe deletion.
Genome position (GRCh38, 1-based): chr12:132,657,171-132,657,173, TCT deleted on the plus strand (AGA on the coding strand, the reverse complement: POLE is on the minus strand); deleting any 3 consecutive bases within chr12:132,657,171-132,657,179 gives the same sequence; the position shown is the placement nearest the transcript's 3' end. VCF-style (leftmost placement, unchanged base first): chr12-132657170-ATCT-A. GRCh37 (hg19) VCF-style: chr12-133233756-ATCT-A.
Other names: c.3545_3547delAGA (NM_006231.3); c.3545_3547del (NM_006231.4); short protein forms K1182del.
Identifiers: ClinVar variation 473601 (VCV000473601.20), dbSNP rs1555225139, ClinGen allele CA608514156.